The following is an entry in ClinVar:

ClinVar aggregate classification (germline): Uncertain significance (1 of 4 stars; one submission).

Conditions:
CREBBP-related disorder. Also called: CREBBP-related condition; CREBBP-related disorders.

Submission:

PreventionGenetics, part of Exact Sciences
Classification: Uncertain significance for CREBBP-related condition. Last evaluated: 2026-02-13. Review status: criteria provided, single submitter. Criteria: ACMG Guidelines, 2015. Collection method: clinical testing. Allele origin: germline.
Comment: The CREBBP c.416G>C variant is predicted to result in the amino acid substitution p.Ser139Thr. To our knowledge, this variant has not been reported in the literature or in a large population database (gnomAD), indicating this variant is rare. At this time, the clinical significance of this variant is uncertain due to the absence of conclusive functional and genetic evidence.

NM_004380.3(CREBBP):c.416G>C (p.Ser139Thr)

Gene: CREBBP (CREB binding lysine acetyltransferase; minus strand). Cytogenetic location: 16p13.3.
Variant type: single nucleotide variant.
Coding change: c.416G>C on transcript NM_004380.3 (MANE Select); coding-DNA position 416, G replaced by C.
Protein change: p.Ser139Thr; replaces serine 139 with threonine.
Molecular consequence: missense variant.
Genome position (GRCh38, 1-based): chr16:3,850,679, C>G on the plus strand (G>C on the coding strand, the complement: CREBBP is on the minus strand). VCF-style: chr16-3850679-C-G. GRCh37 (hg19) VCF-style: chr16-3900680-C-G.
Other names: c.416G>C, p.Ser139Thr (NM_001079846.1); short protein forms S139T.
Identifiers: ClinVar variation 4993215 (VCV004993215.1).